The following is an entry in ClinVar:

Conditions:
Arteriohepatic dysplasia. Also called: Alagille Syndrome. Identifiers: Orphanet 52, MedGen C0085280, MeSH D016738, MONDO:0007318.

Submission:

Gilbert/Spinner Lab, Children's Hospital of Philadelphia
No classification provided (evidence only). Condition: Alagille syndrome. Review status: no classification provided. Collection method: research. Allele origin: not applicable. Functional consequence: functionally_abnormal.
ClinVar note: "not provided" was previously submitted as the classification for the variant. However, the classification appeared to be based only on an observation of functional data so it was converted to no classification on 2025-07-30.

NM_000214.3(JAG1):c.315C>A (p.Asn105Lys)

Gene: JAG1 (jagged canonical Notch ligand 1; minus strand). Cytogenetic location: 20p12.2.
Variant type: single nucleotide variant.
Coding change: c.315C>A on transcript NM_000214.3 (MANE Select); coding-DNA position 315, C replaced by A.
Protein change: p.Asn105Lys; replaces asparagine 105 with lysine.
Molecular consequence: missense variant.
Genome position (GRCh38, 1-based): chr20:10,672,773, G>T on the plus strand (C>A on the coding strand, the complement: JAG1 is on the minus strand). VCF-style: chr20-10672773-G-T. GRCh37 (hg19) VCF-style: chr20-10653421-G-T.
Other names: short protein forms N105K.
Identifiers: ClinVar variation 3573268 (VCV003573268.2).